The following is an entry in ClinVar:

NM_001384900.1(SEMA3D):c.1704G>A (p.Arg568=)

Gene: SEMA3D (semaphorin 3D; minus strand). Cytogenetic location: 7q21.11.
Variant type: single nucleotide variant.
Coding change: c.1704G>A on transcript NM_001384900.1 (MANE Select); coding-DNA position 1704, G replaced by A.
Protein change: p.Arg568=; no amino-acid change (arginine 568 retained).
Molecular consequence: synonymous variant.
Genome position (GRCh38, 1-based): chr7:85,012,846, C>T on the plus strand (G>A on the coding strand, the complement: SEMA3D is on the minus strand). VCF-style: chr7-85012846-C-T. GRCh37 (hg19) VCF-style: chr7-84642162-C-T.
Other names: NC_000007.13:g.84642162C>T; c.1704G>A (NM_152754.2); c.1704G>A, p.Arg568= (NM_001384901.1, NM_001384902.1, NM_001384903.1 and 1 more transcripts).
Identifiers: ClinVar variation 4340147 (VCV004340147.2).

ClinVar aggregate classification (germline): Uncertain significance (1 of 4 stars; one submission).

Conditions:
SEMA3D-related disorder. Also called: SEMA3D-related condition.

gnomAD v4.1: 1 of 1,609,866 alleles (0.000062%); highest among the groups gnomAD compares: East Asian, 0.0022%; no homozygotes.

Submissions (2):

PreventionGenetics, part of Exact Sciences
Classification: Uncertain significance for SEMA3D-related condition. Last evaluated: 2025-06-18. Review status: criteria provided, single submitter. Criteria: ACMG Guidelines, 2015. Collection method: clinical testing. Allele origin: germline.
Comment: The SEMA3D c.1704G>A variant is not predicted to result in an amino acid change (p.=). To our knowledge, this variant has not been reported in the literature or in a large population database (gnomAD), indicating this variant is rare. This variant is predicted to alter splicing based on available splicing prediction programs (SpliceAI, Jaganathan et al. 2019. PubMed ID: 30661751). However, the use of computer prediction programs is not equivalent to functional evidence. At this time, the clinical significance of this variant is uncertain due to the absence of conclusive functional and genetic evidence.

Dr. Peter K. Rogan Lab, Western University
No classification provided (evidence only). Condition: Melanoma. Review status: no classification provided. Collection method: in vitro. Allele origin: not applicable. Functional consequence: retained intron. Not counted in ClinVar's aggregate classification.